The following is an entry in ClinVar:

NM_001110556.2(FLNA):c.7451G>A (p.Arg2484His)

Gene: FLNA (filamin A; minus strand). Cytogenetic location: Xq28.
Variant type: single nucleotide variant.
Coding change: c.7451G>A on transcript NM_001110556.2 (MANE Select); coding-DNA position 7451, G replaced by A.
Protein change: p.Arg2484His; replaces arginine 2484 with histidine.
Molecular consequence: missense variant.
Genome position (GRCh38, 1-based): chrX:154,349,750, C>T on the plus strand (G>A on the coding strand, the complement: FLNA is on the minus strand). VCF-style: chrX-154349750-C-T. GRCh37 (hg19) VCF-style: chrX-153578118-C-T.
Other names: c.7427G>A, p.Arg2476His (NM_001456.4); c.7427G>A (NM_001456.3); short protein forms R2476H, R2484H.
Identifiers: ClinVar variation 1041886 (VCV001041886.24), dbSNP rs782338659, ClinGen allele CA10559889.

ClinVar aggregate classification (germline): Conflicting classifications of pathogenicity. Review status: criteria provided, conflicting classifications (1 of 4 stars). 4 submissions from 4 submitters: Uncertain significance (2); Likely benign (2). Last evaluated 2025-06-16.

Conditions:
Familial thoracic aortic aneurysm and aortic dissection (TAAD). Also called: Thoracic aortic aneurysms and dissections. Identifiers: Orphanet 91387, MedGen C4707243, MONDO:0019625.
Heterotopia, periventricular, X-linked dominant (PVNH1). Also called: X-linked periventricular heterotopia; PERIVENTRICULAR NODULAR HETEROTOPIA 4; HETEROTOPIA, PERIVENTRICULAR, 1; PERIVENTRICULAR NODULAR HETEROTOPIA 1. Identifiers: Orphanet 2149, Orphanet 82004, MedGen C1848213, MONDO:0010233, OMIM 300049.
Frontometaphyseal dysplasia (FMD1). Identifiers: Orphanet 1826, MedGen C0265293, MONDO:0015942.
Melnick-Needles syndrome (MNS). Also called: Melnick-Needles Syndrome (FLNA-MNS); MELNICK-NEEDLES OSTEODYSPLASTY; OSTEODYSPLASTY OF MELNICK AND NEEDLES. Identifiers: Orphanet 2484, MedGen C0025237, MONDO:0010650, OMIM 309350.
Oto-palato-digital syndrome, type II (OPD2). Also called: FACIOPALATOOSSEOUS SYNDROME; Otopalatodigital Syndrome Type 2 (FLNA-OPD2); Otopalatodigital Syndrome, Type II; OPD II SYNDROME. Identifiers: Orphanet 669, Orphanet 90652, MedGen C1844696, MONDO:0010571, OMIM 304120.

Allele frequency attached by ClinVar (database versions not stated): ExAC 0.00001; gnomAD exomes 0.00001 and 0.00002; TOPMed 0.00001; gnomAD 0.00002.
gnomAD v4.1: 19 of 1,210,495 alleles (0.0016%); highest among the groups gnomAD compares: African/African-American, 0.0035%; no homozygotes.

Submissions (4):

Ambry Genetics
Classification: Uncertain significance for Familial thoracic aortic aneurysm and aortic dissection. Last evaluated: 2025-06-16. Review status: criteria provided, single submitter. Criteria: Ambry Variant Classification Scheme 2023. Collection method: clinical testing. Allele origin: germline.
Comment: The p.R2476H variant (also known as c.7427G>A), located in coding exon 44 of the FLNA gene, results from a G to A substitution at nucleotide position 7427. The arginine at codon 2476 is replaced by histidine, an amino acid with highly similar properties. Based on data from gnomAD, the A allele has an overall frequency of <0.01% (2/202830) total alleles studied, with 1 hemizygote(s) observed. The highest observed frequency was <0.01% (2/91620) of European (non-Finnish) alleles. This amino acid position is not well conserved in available vertebrate species. In addition, this alteration is predicted to be tolerated by in silico analysis. Based on the available evidence, the clinical significance of this variant remains unclear.

Labcorp Genetics (formerly Invitae), Labcorp
Classification: Likely benign for Oto-palato-digital syndrome, type II; Heterotopia, periventricular, X-linked dominant; Frontometaphyseal dysplasia; Melnick-Needles syndrome. Last evaluated: 2025-04-08. Review status: criteria provided, single submitter. Criteria: Invitae Variant Classification Sherloc (09022015). Collection method: clinical testing. Allele origin: germline.

CeGaT Center for Human Genetics Tuebingen
Classification: Likely benign. Last evaluated: 2025-02-01. Review status: criteria provided, single submitter. Criteria: CeGaT Center For Human Genetics Tuebingen Variant Classification Criteria Version 2. Collection method: clinical testing. Allele origin: germline. Affected: yes. Observed: 1 variant allele.
Comment: FLNA: BS2

GeneDx
Classification: Uncertain significance. Last evaluated: 2023-02-03. Review status: criteria provided, single submitter. Criteria: GeneDx Variant Classification Process June 2021. Collection method: clinical testing. Allele origin: germline. Affected: yes.
Comment: In silico analysis supports that this missense variant has a deleterious effect on protein structure/function; Has not been previously published as pathogenic or benign to our knowledge